The following is an entry in ClinVar:

ClinVar aggregate classification (germline): Pathogenic (1 of 4 stars; one submission).

Submission:

Labcorp Genetics (formerly Invitae), Labcorp
Classification: Pathogenic. Last evaluated: 2023-03-22. Review status: criteria provided, single submitter. Criteria: Invitae Variant Classification Sherloc (09022015). Collection method: clinical testing. Allele origin: unknown.
Comment: For these reasons, this variant has been classified as Pathogenic. This variant has not been reported in the literature in individuals affected with COL4A4-related conditions. This variant is a gross deletion of the genomic region encompassing exon(s) 3 of the COL4A4 gene. This deletion is out-of-frame, and is expected to create a premature termination codon and result in an absent or disrupted protein product. Loss-of-function variants in COL4A4 are known to be pathogenic (PMID: 21196518, 24854265, 25307543).

Literature cited by the submitters: PubMed 21196518; PubMed 24854265; PubMed 25307543.

NC_000002.11:g.(?_228009212)_(228009294_?)del

Gene: COL4A4 (collagen type IV alpha 4 chain; minus strand). Cytogenetic location: 2q36.3.
Variant type: Deletion.
Identifiers: ClinVar variation 3247444 (VCV003247444.1).